The following is an entry in ClinVar:

ClinVar aggregate classification (germline): Uncertain significance. Review status: criteria provided, multiple submitters, no conflicts (2 of 4 stars). 2 submissions from 2 submitters: Uncertain significance (2). Last evaluated 2024-05-15.

Conditions:
RYR1-related disorder. Also called: RYR1-related condition; RYR1-related disorders. Identifiers: MedGen CN239331.

Allele frequency attached by ClinVar (database versions not stated): gnomAD exomes below 0.00001.
gnomAD v4.1: 1 of 1,613,626 alleles (0.000062%); highest among the groups gnomAD compares: Non-Finnish European, 0.000085%; no homozygotes.

Submissions (2):

Labcorp Genetics (formerly Invitae), Labcorp
Classification: Uncertain significance for RYR1-related disorder. Last evaluated: 2024-05-15. Review status: criteria provided, single submitter. Criteria: Invitae Variant Classification Sherloc (09022015). Collection method: clinical testing. Allele origin: germline.
Comment: This sequence change replaces proline, which is neutral and non-polar, with serine, which is neutral and polar, at codon 2022 of the RYR1 protein (p.Pro2022Ser). This variant is not present in population databases (gnomAD no frequency). This variant has not been reported in the literature in individuals affected with RYR1-related conditions. Advanced modeling of protein sequence and biophysical properties (such as structural, functional, and spatial information, amino acid conservation, physicochemical variation, residue mobility, and thermodynamic stability) performed at Invitae indicates that this missense variant is not expected to disrupt RYR1 protein function with a negative predictive value of 95%. In summary, the available evidence is currently insufficient to determine the role of this variant in disease. Therefore, it has been classified as a Variant of Uncertain Significance.

GeneDx
Classification: Uncertain significance. Last evaluated: 2023-05-15. Review status: criteria provided, single submitter. Criteria: GeneDx Variant Classification Process June 2021. Collection method: clinical testing. Allele origin: germline. Affected: yes.
Comment: Not observed at significant frequency in large population cohorts (gnomAD); In silico analysis supports that this missense variant has a deleterious effect on protein structure/function; Has not been previously published as pathogenic or benign to our knowledge

NM_000540.3(RYR1):c.6064C>T (p.Pro2022Ser)

Gene: RYR1 (ryanodine receptor 1; plus strand). Cytogenetic location: 19q13.2.
Variant type: single nucleotide variant.
Coding change: c.6064C>T on transcript NM_000540.3 (MANE Select); coding-DNA position 6064, C replaced by T.
Protein change: p.Pro2022Ser; replaces proline 2022 with serine.
Molecular consequence: missense variant.
Genome position (GRCh38, 1-based): chr19:38,490,669, C>T. VCF-style: chr19-38490669-C-T. GRCh37 (hg19) VCF-style: chr19-38981309-C-T.
Other names: c.6064C>T, p.Pro2022Ser (NM_001042723.2); short protein forms P2022S.
Identifiers: ClinVar variation 2892903 (VCV002892903.3), dbSNP rs2514256037, ClinGen allele CA405660811.